The following is an entry in ClinVar:

NM_005245.4(FAT1):c.10932G>A (p.Ala3644=)

Genes: FAT1 (FAT atypical cadherin 1; minus strand), LOC126807254 (BRD4-independent group 4 enhancer GRCh37_chr4:187524269-187525468; plus strand). Cytogenetic location: 4q35.2.
Variant type: single nucleotide variant.
Coding change: c.10932G>A on transcript NM_005245.4 (MANE Select); coding-DNA position 10932, G replaced by A.
Protein change: p.Ala3644=; no amino-acid change (alanine 3644 retained).
Molecular consequence: synonymous variant.
Genome position (GRCh38, 1-based): chr4:186,603,594, C>T on the plus strand (G>A on the coding strand, the complement: FAT1 is on the minus strand). VCF-style: chr4-186603594-C-T. GRCh37 (hg19) VCF-style: chr4-187524748-C-T.
Other names: c.10932G>A (NM_005245.3).
Identifiers: ClinVar variation 2071285 (VCV002071285.6), dbSNP rs145300656, ClinGen allele CA3165222.

ClinVar aggregate classification (germline): Likely benign. Review status: criteria provided, multiple submitters, no conflicts (2 of 4 stars). 3 submissions from 3 submitters: Likely benign (3). Last evaluated 2025-06-12.

Conditions:
FAT1-related disorder. Also called: FAT1-related condition.

Allele frequency attached by ClinVar (database versions not stated): ESP Exome Variant Server 0.00015; gnomAD 0.00015; TOPMed 0.00022; 1000 Genomes Project 30x 0.00031; 1000 Genomes Project 0.00040.
gnomAD v4.1: 98 of 1,613,990 alleles (0.0061%); highest among the groups gnomAD compares: Middle Eastern, 0.082%; no homozygotes.

Submissions (3):

Labcorp Genetics (formerly Invitae), Labcorp
Classification: Likely benign. Last evaluated: 2025-06-12. Review status: criteria provided, single submitter. Criteria: Invitae Variant Classification Sherloc (09022015). Collection method: clinical testing. Allele origin: germline.

PreventionGenetics, part of Exact Sciences
Classification: Likely benign for FAT1-related condition. Last evaluated: 2024-10-02. Review status: criteria provided, single submitter. Criteria: ACMG Guidelines, 2015. Collection method: clinical testing. Allele origin: germline.
Comment: This variant is classified as likely benign based on ACMG/AMP sequence variant interpretation guidelines (Richards et al. 2015 PMID: 25741868, with internal and published modifications).

Blueprint Genetics
Classification: Likely benign. Last evaluated: 2024-08-15. Review status: criteria provided, single submitter. Criteria: ACMG Guidelines, 2015. Collection method: clinical testing. Allele origin: germline.